The following is an entry in ClinVar:

ClinVar aggregate classification (germline): Uncertain significance. Review status: criteria provided, multiple submitters, no conflicts (2 of 4 stars). 2 submissions from 2 submitters: Uncertain significance (2). Last evaluated 2026-01-20.

gnomAD v4.1: 11 of 1,551,674 alleles (0.00071%); highest among the groups gnomAD compares: Non-Finnish European, 0.00096%; no homozygotes.

Submissions (2):

Women's Health and Genetics/Laboratory Corporation of America, LabCorp
Classification: Uncertain significance. Last evaluated: 2026-01-20. Review status: criteria provided, single submitter. Criteria: LabCorp Variant Classification Summary - May 2015. Collection method: clinical testing. Allele origin: germline.
Comment: Variant summary: NOTCH3 c.2729G>A (p.Cys910Tyr) results in a non-conservative amino acid change in the encoded protein sequence. Algorithms developed to predict the effect of missense changes on protein structure and function all suggest that this variant is likely to be disruptive. The frequency data for this variant in gnomAD is considered unreliable, as metrics indicate poor data quality at this position. To our knowledge, no occurrence of c.2729G>A in individuals affected with NOTCH3-related conditions and no experimental evidence demonstrating its impact on protein function have been reported. No submitters have cited clinical-significance assessments for this variant to ClinVar. Based on the evidence outlined above, the variant was classified as uncertain significance.

Labcorp Genetics (formerly Invitae), Labcorp
Classification: Uncertain significance. Last evaluated: 2025-10-22. Review status: criteria provided, single submitter. Criteria: Invitae Variant Classification Sherloc (09022015). Collection method: clinical testing. Allele origin: germline.
Comment: This sequence change replaces cysteine, which is neutral and slightly polar, with tyrosine, which is neutral and polar, at codon 910 of the NOTCH3 protein (p.Cys910Tyr). This variant is not present in population databases (gnomAD no frequency). This variant has not been reported in the literature in individuals affected with NOTCH3-related conditions. Invitae Evidence Modeling of protein sequence and biophysical properties (such as structural, functional, and spatial information, amino acid conservation, physicochemical variation, residue mobility, and thermodynamic stability) indicates that this missense variant is expected to disrupt NOTCH3 protein function with a positive predictive value of 95%. In summary, the available evidence is currently insufficient to determine the role of this variant in disease. Therefore, it has been classified as a Variant of Uncertain Significance.

NM_000435.3(NOTCH3):c.2729G>A (p.Cys910Tyr)

Gene: NOTCH3 (notch receptor 3; minus strand). Cytogenetic location: 19p13.12.
Variant type: single nucleotide variant.
Coding change: c.2729G>A on transcript NM_000435.3 (MANE Select); coding-DNA position 2729, G replaced by A.
Protein change: p.Cys910Tyr; replaces cysteine 910 with tyrosine.
Molecular consequence: missense variant.
Genome position (GRCh38, 1-based): chr19:15,181,639, C>T on the plus strand (G>A on the coding strand, the complement: NOTCH3 is on the minus strand). VCF-style: chr19-15181639-C-T. GRCh37 (hg19) VCF-style: chr19-15292450-C-T.
Other names: short protein forms C910Y.
Identifiers: ClinVar variation 4689203 (VCV004689203.2).
Genomic context (GRCh38, chr19:15,181,639, plus strand): 5'-GGGCTGCAGTCGGGCAGGTCCTGTTCGCAGTGGAAGCCTCCGTAGCCTGGCGGGCAGGTG[C>T]AGGTGAAGGAGGCCACGTGGTCGGTACAGGTGCCCGGGCCGCAGGGGTTGCTCAGGCACT-3'
Protein context (NP_000426.2, residues 900-920): TCTDHVASFT[Cys910Tyr]TCPPGYGGFH